The following is an entry in ClinVar:

ClinVar aggregate classification (germline): Uncertain significance (1 of 4 stars; one submission).

Submission:

Ambry Genetics
Classification: Uncertain significance. Last evaluated: 2022-10-27. Review status: criteria provided, single submitter. Criteria: Ambry Variant Classification Scheme 2023. Collection method: clinical testing. Allele origin: germline.
Comment: The p.G2105S variant (also known as c.6313G>A), located in coding exon 12 of the ALPK2 gene, results from a G to A substitution at nucleotide position 6313. The glycine at codon 2105 is replaced by serine, an amino acid with similar properties. This amino acid position is conserved. In addition, this alteration is predicted to be tolerated by in silico analysis. Since supporting evidence is limited at this time, the clinical significance of this alteration remains unclear.

NM_052947.4(ALPK2):c.6313G>A (p.Gly2105Ser)

Gene: ALPK2 (alpha kinase 2; minus strand). Cytogenetic location: 18q21.31.
Variant type: single nucleotide variant.
Coding change: c.6313G>A on transcript NM_052947.4 (MANE Select); coding-DNA position 6313, G replaced by A.
Protein change: p.Gly2105Ser; replaces glycine 2105 with serine.
Molecular consequence: missense variant.
Genome position (GRCh38, 1-based): chr18:58,482,023, C>T on the plus strand (G>A on the coding strand, the complement: ALPK2 is on the minus strand). VCF-style: chr18-58482023-C-T. GRCh37 (hg19) VCF-style: chr18-56149255-C-T.
Other names: short protein forms G2105S.
Identifiers: ClinVar variation 1752807 (VCV001752807.2), dbSNP rs1568061954, ClinGen allele CA402538769.